The following is an entry in ClinVar:

NM_001846.4(COL4A2):c.3272G>T (p.Gly1091Val)

Gene: COL4A2 (collagen type IV alpha 2 chain; plus strand). Cytogenetic location: 13q34.
Variant type: single nucleotide variant.
Coding change: c.3272G>T on transcript NM_001846.4 (MANE Select); coding-DNA position 3272, G replaced by T.
Protein change: p.Gly1091Val; replaces glycine 1091 with valine.
Molecular consequence: missense variant.
Genome position (GRCh38, 1-based): chr13:110,489,711, G>T. VCF-style: chr13-110489711-G-T. GRCh37 (hg19) VCF-style: chr13-111142058-G-T.
Other names: short protein forms G1091V.
Identifiers: ClinVar variation 1466281 (VCV001466281.6), dbSNP rs2139534208, ClinGen allele CA388730889.

ClinVar aggregate classification (germline): Uncertain significance (1 of 4 stars; one submission).

Submission:

Labcorp Genetics (formerly Invitae), Labcorp
Classification: Uncertain significance. Last evaluated: 2022-06-05. Review status: criteria provided, single submitter. Criteria: Invitae Variant Classification Sherloc (09022015). Collection method: clinical testing. Allele origin: germline.
Comment: Algorithms developed to predict the effect of missense changes on protein structure and function are either unavailable or do not agree on the potential impact of this missense change (SIFT: "Not Available"; PolyPhen-2: "Probably Damaging"; Align-GVGD: "Not Available"). In summary, the available evidence is currently insufficient to determine the role of this variant in disease. Therefore, it has been classified as a Variant of Uncertain Significance. Algorithms developed to predict the effect of sequence changes on RNA splicing suggest that this variant may disrupt the consensus splice site. ClinVar contains an entry for this variant (Variation ID: 1466281). This variant has not been reported in the literature in individuals affected with COL4A2-related conditions. This variant is not present in population databases (gnomAD no frequency). This sequence change replaces glycine with valine at codon 1091 of the COL4A2 protein (p.Gly1091Val). The glycine residue is highly conserved and there is a moderate physicochemical difference between glycine and valine.